The following is an entry in ClinVar:

NM_001354712.2(THRB):c.1051G>A (p.Asp351Asn)

Gene: THRB (thyroid hormone receptor beta; minus strand). Cytogenetic location: 3p24.2.
Variant type: single nucleotide variant.
Coding change: c.1051G>A on transcript NM_001354712.2 (MANE Select); coding-DNA position 1051, G replaced by A.
Protein change: p.Asp351Asn; replaces aspartic acid 351 with asparagine.
Molecular consequence: missense variant. On other transcripts: intron variant (1).
Genome position (GRCh38, 1-based): chr3:24,127,592, C>T on the plus strand (G>A on the coding strand, the complement: THRB is on the minus strand). VCF-style: chr3-24127592-C-T. GRCh37 (hg19) VCF-style: chr3-24169083-C-T.
Other names: c.1051G>A, p.Asp351Asn (NM_000461.5, NM_001128176.3, NM_001128177.2 and 11 more transcripts); c.958G>A, p.Asp320Asn (NM_001354714.2, NM_001354715.2); c.973+78G>A (NM_001374827.1); short protein forms D320N, D351N.
Identifiers: ClinVar variation 4532224 (VCV004532224.1).
Genomic context (GRCh38, chr3:24,127,592, plus strand): 5'-CTACTTCAGTGTCATCCAGGTTGAAAGAAGACAGAGACATGCCCAGGTCAAAGATGGCGT[C>T]TGACACCACCCCAAGACCCCCATTTTTCAGCTGGCCCCGTGTCACTGCCATTTCCCCATT-3'
Protein context (NP_001341641.1, residues 341-361): LKNGGLGVVS[Asp351Asn]AIFDLGMSLS

ClinVar aggregate classification (germline): Uncertain significance (1 of 4 stars; one submission).

Conditions:
Thyroid hormone resistance, generalized, autosomal dominant (GRTHD). Also called: HYPERTHYROXINEMIA, FAMILIAL EUTHYROID, SECONDARY TO PITUITARY AND PERIPHERAL RESISTANCE TO THYROID HORMONES. Identifiers: MedGen C2937288, MONDO:0008569, OMIM 188570.

Submission:

MVZ Medizinische Genetik Mainz
Classification: Uncertain significance for Thyroid hormone resistance, generalized, autosomal dominant. Last evaluated: 2025-10-14. Review status: criteria provided, single submitter. Criteria: UK Practice Guidelines For Variant Classification V4 01 2020. Collection method: clinical testing. Allele origin: germline. Inheritance: Autosomal dominant inheritance. Affected: yes. Observed: 1 variant allele.
Comment: ACMG Criteria: PM1,PM2_SUP,PP3